The following is an entry in ClinVar:

NM_014714.4(IFT140):c.4037G>A (p.Arg1346His)

Gene: IFT140 (intraflagellar transport 140; minus strand). Cytogenetic location: 16p13.3.
Variant type: single nucleotide variant.
Coding change: c.4037G>A on transcript NM_014714.4 (MANE Select); coding-DNA position 4037, G replaced by A.
Protein change: p.Arg1346His; replaces arginine 1346 with histidine.
Molecular consequence: missense variant.
Genome position (GRCh38, 1-based): chr16:1,519,884, C>T on the plus strand (G>A on the coding strand, the complement: IFT140 is on the minus strand). VCF-style: chr16-1519884-C-T. GRCh37 (hg19) VCF-style: chr16-1569885-C-T.
Other names: c.4037G>A (NM_014714.3); short protein forms R1346H.
Identifiers: ClinVar variation 1492288 (VCV001492288.8), dbSNP rs144050063, ClinGen allele CA7812947.

ClinVar aggregate classification (germline): Uncertain significance. Review status: criteria provided, multiple submitters, no conflicts (2 of 4 stars). 4 submissions from 4 submitters: Uncertain significance (4). Last evaluated 2026-06-12.

Conditions:
IFT140-related disorder. Also called: IFT140-related condition.
Saldino-Mainzer syndrome (SRTD9). Also called: SHORT-RIB THORACIC DYSPLASIA 9 WITHOUT POLYDACTYLY; short-rib thoracic dysplasia 9 with or without polydactyly; CONORENAL SYNDROME; Renal dysplasia, retinal pigmentary dystrophy, cerebellar ataxia and skeletal dysplasia. Identifiers: Orphanet 140969, MedGen C1849437, MONDO:0009964, OMIM 266920.
Retinitis pigmentosa 80 (RP80). Identifiers: MedGen C4540439, MONDO:0054708, OMIM 617781.

Allele frequency attached by ClinVar (database versions not stated): gnomAD 0.00004; ExAC 0.00007; ESP Exome Variant Server 0.00008.
gnomAD v4.1: 104 of 1,538,452 alleles (0.0068%); highest among the groups gnomAD compares: Non-Finnish European, 0.0086%; no homozygotes.

Submissions (4):

PreventionGenetics, part of Exact Sciences
Classification: Uncertain significance for IFT140-related condition. Last evaluated: 2026-06-12. Review status: criteria provided, single submitter. Criteria: ACMG Guidelines, 2015. Collection method: clinical testing. Allele origin: germline.
Comment: The IFT140 c.4037G>A variant is predicted to result in the amino acid substitution p.Arg1346His. To our knowledge, this variant has not been reported in the literature. This variant is reported in 0.010% of alleles in individuals of European (Non-Finnish) descent in gnomAD. At this time, the clinical significance of this variant is uncertain due to the absence of conclusive functional and genetic evidence.

Fulgent Genetics
Classification: Uncertain significance for Saldino-Mainzer syndrome; Retinitis pigmentosa 80. Last evaluated: 2024-04-01. Review status: criteria provided, single submitter. Criteria: ACMG Guidelines, 2015. Collection method: clinical testing. Allele origin: germline.

Blueprint Genetics
Classification: Uncertain significance. Last evaluated: 2023-06-26. Review status: criteria provided, single submitter. Criteria: ACMG Guidelines, 2015. Collection method: clinical testing. Allele origin: germline.

Labcorp Genetics (formerly Invitae), Labcorp
Classification: Uncertain significance for Saldino-Mainzer syndrome. Last evaluated: 2022-10-23. Review status: criteria provided, single submitter. Criteria: Invitae Variant Classification Sherloc (09022015). Collection method: clinical testing. Allele origin: germline.
Comment: This sequence change replaces arginine, which is basic and polar, with histidine, which is basic and polar, at codon 1346 of the IFT140 protein (p.Arg1346His). This variant is present in population databases (rs144050063, gnomAD 0.01%). This variant has not been reported in the literature in individuals affected with IFT140-related conditions. ClinVar contains an entry for this variant (Variation ID: 1492288). Advanced modeling of protein sequence and biophysical properties (such as structural, functional, and spatial information, amino acid conservation, physicochemical variation, residue mobility, and thermodynamic stability) performed at Invitae indicates that this missense variant is not expected to disrupt IFT140 protein function. In summary, the available evidence is currently insufficient to determine the role of this variant in disease. Therefore, it has been classified as a Variant of Uncertain Significance.